The following is an entry in ClinVar:

ClinVar aggregate classification (germline): Uncertain significance (1 of 4 stars; one submission).

Conditions:
Regional enteritis. Also called: Enteritis, Granulomatous. Identifiers: MedGen C0678202, MeSH D003424.
Blau syndrome (BLAUS). Also called: ARTHROCUTANEOUVEAL GRANULOMATOSIS; GRANULOMATOSIS, FAMILIAL JUVENILE SYSTEMIC; GRANULOMATOSIS, FAMILIAL, BLAU TYPE; GRANULOMATOUS INFLAMMATORY ARTHRITIS, DERMATITIS, AND UVEITIS, FAMILIAL; JABS SYNDROME. Identifiers: Orphanet 90340, MedGen C5201146, MONDO:0008523, OMIM 186580.

Allele frequency attached by ClinVar (database versions not stated): ExAC 0.00001; gnomAD 0.00002 and 0.00003; gnomAD exomes 0.00002 and 0.00003; TOPMed 0.00002; ESP Exome Variant Server 0.00008.
gnomAD v4.1: 42 of 1,614,094 alleles (0.0026%); highest among the groups gnomAD compares: Non-Finnish European, 0.0033%; no homozygotes.

Submission:

Labcorp Genetics (formerly Invitae), Labcorp
Classification: Uncertain significance for Regional enteritis; Blau syndrome. Last evaluated: 2024-02-24. Review status: criteria provided, single submitter. Criteria: Invitae Variant Classification Sherloc (09022015). Collection method: clinical testing. Allele origin: germline.
Comment: This sequence change replaces glutamine, which is neutral and polar, with proline, which is neutral and non-polar, at codon 233 of the NOD2 protein (p.Gln233Pro). This variant is present in population databases (rs369098290, gnomAD 0.004%). This variant has not been reported in the literature in individuals affected with NOD2-related conditions. ClinVar contains an entry for this variant (Variation ID: 531596). Advanced modeling of protein sequence and biophysical properties (such as structural, functional, and spatial information, amino acid conservation, physicochemical variation, residue mobility, and thermodynamic stability) performed at Invitae indicates that this missense variant is not expected to disrupt NOD2 protein function with a negative predictive value of 95%. In summary, the available evidence is currently insufficient to determine the role of this variant in disease. Therefore, it has been classified as a Variant of Uncertain Significance.

NM_001370466.1(NOD2):c.617A>C (p.Gln206Pro)

Gene: NOD2 (nucleotide binding oligomerization domain containing 2; plus strand). Cytogenetic location: 16q12.1.
Variant type: single nucleotide variant.
Coding change: c.617A>C on transcript NM_001370466.1 (MANE Select); coding-DNA position 617, A replaced by C.
Protein change: p.Gln206Pro; replaces glutamine 206 with proline.
Molecular consequence: missense variant. On other transcripts: non-coding transcript variant (1).
Genome position (GRCh38, 1-based): chr16:50,710,609, A>C. VCF-style: chr16-50710609-A-C. GRCh37 (hg19) VCF-style: chr16-50744520-A-C.
Other names: c.617A>C, p.Gln206Pro (NM_001293557.2); c.698A>C, p.Gln233Pro (NM_022162.3); short protein forms Q233P, Q206P.
Identifiers: ClinVar variation 531596 (VCV000531596.9), dbSNP rs369098290, ClinGen allele CA8051377.